The following is an entry in ClinVar:

NM_006565.4(CTCF):c.1573T>G (p.Cys525Gly)

Gene: CTCF (CCCTC-binding factor; plus strand). Cytogenetic location: 16q22.1.
Variant type: single nucleotide variant.
Coding change: c.1573T>G on transcript NM_006565.4 (MANE Select); coding-DNA position 1573, T replaced by G.
Protein change: p.Cys525Gly; replaces cysteine 525 with glycine.
Molecular consequence: missense variant.
Genome position (GRCh38, 1-based): chr16:67,628,424, T>G. VCF-style: chr16-67628424-T-G. GRCh37 (hg19) VCF-style: chr16-67662327-T-G.
Other names: c.589T>G, p.Cys197Gly (NM_001191022.2); c.1573T>G, p.Cys525Gly (NM_001363916.2); short protein forms C197G, C525G.
Identifiers: ClinVar variation 3900719 (VCV003900719.2).
Genomic context (GRCh38, chr16:67,628,424, plus strand): 5'-TTTCAGGAGAGGCACATGATCATGCACAAGCGCACCCACACCGGGGAGAAGCCTTACGCC[T>G]GCAGCCACTGCGATAAGACCTTCCGCCAGAAGCAGCTTCTCGACATGCACTTCAAGCGCT-3'
Protein context (NP_006556.1, residues 515-535): RTHTGEKPYA[Cys525Gly]SHCDKTFRQK

ClinVar aggregate classification (germline): Conflicting classifications of pathogenicity. Review status: criteria provided, conflicting classifications (1 of 4 stars). 2 submissions from 2 submitters: Likely pathogenic (1); Uncertain significance (1). Last evaluated 2026-04-20.

Conditions:
CTCF-related neurodevelopmental disorder. Also called: Intellectual disability-feeding difficulties-developmental delay-microcephaly syndrome; INTELLECTUAL DEVELOPMENTAL DISORDER, AUTOSOMAL DOMINANT 21. Identifiers: Orphanet 363611, MedGen C3809686, MONDO:0014213, OMIM 615502.

Submissions (2):

Department of Human Genetics, Hannover Medical School
Classification: Likely pathogenic for CTCF-related neurodevelopmental disorder. Last evaluated: 2026-04-20. Review status: criteria provided, single submitter. Criteria: ACMG Guidelines, 2015. Collection method: clinical testing. Allele origin: germline. Affected: yes.
Comment: ACMG/SVI: PS2_Supporting, PM2_Supporting, PP2, PP3_Intermediate (+3)

MVZ Medizinische Genetik Mainz
Classification: Uncertain significance for CTCF-related neurodevelopmental disorder. Last evaluated: 2025-05-05. Review status: criteria provided, single submitter. Criteria: UK Practice Guidelines For Variant Classification V4 01 2020. Collection method: clinical testing. Allele origin: germline. Inheritance: Autosomal dominant inheritance. Affected: yes. Observed: 1 variant allele.
Comment: ACMG Criteria: PP3_MOD,PM2_SUP,PP2